The following is an entry in ClinVar:

NM_001879.6(MASP1):c.1479C>T (p.His493=)

Gene: MASP1 (MBL associated serine protease 1; minus strand). Cytogenetic location: 3q27.3.
Variant type: single nucleotide variant.
Coding change: c.1479C>T on transcript NM_001879.6 (MANE Plus Clinical); coding-DNA position 1479, C replaced by T.
Protein change: p.His493=; no amino-acid change (histidine 493 retained).
Molecular consequence: synonymous variant.
Genome position (GRCh38, 1-based): chr3:187,226,483, G>A on the plus strand (C>T on the coding strand, the complement: MASP1 is on the minus strand). VCF-style: chr3-187226483-G-A. GRCh37 (hg19) VCF-style: chr3-186944271-G-A.
Identifiers: ClinVar variation 3027133 (VCV003027133.20), dbSNP rs375712766, ClinGen allele CA437384353.

ClinVar aggregate classification (germline): Likely benign (1 of 4 stars; one submission).

Submission:

CeGaT Center for Human Genetics Tuebingen
Classification: Likely benign. Last evaluated: 2024-02-01. Review status: criteria provided, single submitter. Criteria: CeGaT Center For Human Genetics Tuebingen Variant Classification Criteria Version 2. Collection method: clinical testing. Allele origin: germline. Affected: yes. Observed: 1 variant allele.
Comment: MASP1: PM2:Supporting, BP4, BP7